The following is an entry in ClinVar:

ClinVar aggregate classification (germline): Pathogenic/Likely pathogenic. Review status: criteria provided, multiple submitters, no conflicts (2 of 4 stars). 6 submissions from 6 submitters: Pathogenic (4); Likely pathogenic (2). Last evaluated 2024-05-29.

Conditions:
Hereditary cancer-predisposing syndrome. Also called: Neoplastic Syndromes, Hereditary; Hereditary Cancer Syndrome; Hereditary neoplastic syndrome; Tumor predisposition. Identifiers: Orphanet 140162, MedGen C0027672, MeSH D009386, MONDO:0015356.
Aplastic anemia. Identifiers: Orphanet 182040, Orphanet 88, MedGen C0002874, MONDO:0015909, OMIM 609135, HP:0001915.
Microcephaly, normal intelligence and immunodeficiency (NBS). Also called: Nijmegen breakage syndrome; Microcephaly with normal intelligence immunodeficiency and lymphoreticular malignancies; Nonsyndromal microcephaly autosomal recessive with normal intelligence; Seemanova syndrome 2; Ataxia telangiectasia variant V1; BERLIN BREAKAGE SYNDROME. Identifiers: Orphanet 647, MedGen C0398791, MONDO:0009623, OMIM 251260.
Acute lymphoid leukemia (ALL). Also called: Leukemia, acute lymphoblastic, somatic; Lymphoblastic leukemia; Acute lymphoblastic leukemia; Acute lymphocytic leukemia. Identifiers: Orphanet 513, MedGen C0023449, MONDO:0004967, OMIM 613065, HP:0006721.

Submissions (6):

Fulgent Genetics
Classification: Likely pathogenic for Microcephaly, normal intelligence and immunodeficiency; Aplastic anemia; Acute lymphoid leukemia. Last evaluated: 2024-05-29. Review status: criteria provided, single submitter. Criteria: ACMG Guidelines, 2015. Collection method: clinical testing. Allele origin: germline.

Baylor Genetics
Classification: Pathogenic for Aplastic anemia. Last evaluated: 2024-03-23. Review status: criteria provided, single submitter. Criteria: ACMG Guidelines, 2015. Collection method: clinical testing. Allele origin: unknown.

GeneDx
Classification: Likely pathogenic. Last evaluated: 2023-09-20. Review status: criteria provided, single submitter. Criteria: GeneDx Variant Classification Process June 2021. Collection method: clinical testing. Allele origin: germline. Affected: yes.
Comment: Frameshift variant predicted to result in protein truncation or nonsense mediated decay in a gene for which loss of function is a known mechanism of disease; Not observed at significant frequency in large population cohorts (gnomAD); Has not been previously published as pathogenic or benign to our knowledge; This variant is associated with the following publications: (PMID: 9590180, 16415040)

Labcorp Genetics (formerly Invitae), Labcorp
Classification: Pathogenic for Microcephaly, normal intelligence and immunodeficiency. Last evaluated: 2023-04-21. Review status: criteria provided, single submitter. Criteria: Invitae Variant Classification Sherloc (09022015). Collection method: clinical testing. Allele origin: germline.
Comment: This variant is not present in population databases (gnomAD no frequency). For these reasons, this variant has been classified as Pathogenic. ClinVar contains an entry for this variant (Variation ID: 826039). This variant has not been reported in the literature in individuals affected with NBN-related conditions. This sequence change creates a premature translational stop signal (p.Tyr197Leufs*5) in the NBN gene. It is expected to result in an absent or disrupted protein product. Loss-of-function variants in NBN are known to be pathogenic (PMID: 9590180, 16415040).

Genome-Nilou Lab
Classification: Pathogenic for Microcephaly, normal intelligence and immunodeficiency. Last evaluated: 2021-11-07. Review status: criteria provided, single submitter. Criteria: ACMG Guidelines, 2015. Collection method: clinical testing. Allele origin: germline. Affected: no.

Ambry Genetics
Classification: Pathogenic for Hereditary cancer-predisposing syndrome. Last evaluated: 2018-05-10. Review status: criteria provided, single submitter. Criteria: Ambry Variant Classification Scheme 2023. Collection method: clinical testing. Allele origin: germline.
Comment: The c.589dupT pathogenic mutation, located in coding exon 6 of the NBN gene, results from a duplication of T at nucleotide position 589, causing a translational frameshift with a predicted alternate stop codon (p.Y197Lfs*5). This alteration is expected to result in loss of function by premature protein truncation or nonsense-mediated mRNA decay. As such, this alteration is interpreted as a disease-causing mutation.

Literature cited by the submitters: PubMed 9590180 (cited by Labcorp Genetics (formerly Invitae), Labcorp); PubMed 16415040 (cited by Labcorp Genetics (formerly Invitae), Labcorp).

NM_002485.5(NBN):c.589dup (p.Tyr197fs)

Gene: NBN (nibrin; minus strand). Cytogenetic location: 8q21.3.
Variant type: Duplication.
Coding change: c.589dup on transcript NM_002485.5 (MANE Select); coding-DNA position 589, one base duplicated (T; older notation c.589dupT).
Protein change: p.Tyr197fs; shifts the reading frame from tyrosine 197.
Molecular consequence: frameshift variant.
Genome position (GRCh38, 1-based): chr8:89,971,286, A duplicated on the plus strand (T on the coding strand, the reverse complement: NBN is on the minus strand); the first of 5 consecutive A bases (chr8:89,971,286-89,971,290); duplicating any one gives the same sequence. VCF-style (leftmost placement, unchanged base first): chr8-89971285-T-TA. GRCh37 (hg19) VCF-style: chr8-90983513-T-TA.
Other names: c.343dup, p.Tyr115fs (NM_001024688.3); c.589dup (NM_002485.4); short protein forms Y115fs, Y197fs.
Identifiers: ClinVar variation 826039 (VCV000826039.16), dbSNP rs1586088924, ClinGen allele CA915945792.